The following is an entry in ClinVar:

NM_021625.5(TRPV4):c.1678G>A (p.Val560Met)

Gene: TRPV4 (transient receptor potential cation channel subfamily V member 4; minus strand). Cytogenetic location: 12q24.11.
Variant type: single nucleotide variant.
Coding change: c.1678G>A on transcript NM_021625.5 (MANE Select); coding-DNA position 1678, G replaced by A.
Protein change: p.Val560Met; replaces valine 560 with methionine.
Molecular consequence: missense variant.
Genome position (GRCh38, 1-based): chr12:109,792,798, C>T on the plus strand (G>A on the coding strand, the complement: TRPV4 is on the minus strand). VCF-style: chr12-109792798-C-T. GRCh37 (hg19) VCF-style: chr12-110230603-C-T.
Other names: c.1498G>A, p.Val500Met (NM_147204.3); c.1537G>A, p.Val513Met (NM_001177428.2); c.1576G>A, p.Val526Met (NM_001177431.2); c.1357G>A, p.Val453Met (NM_001177433.2); short protein forms V453M, V500M, V513M, V526M, V560M.
Identifiers: ClinVar variation 3344762 (VCV003344762.1).

ClinVar aggregate classification (germline): Uncertain significance (0 of 4 stars; one submission).

Conditions:
TRPV4-related disorder. Also called: TRPV4-related disorders; TRPV4-related condition.

Submission:

PreventionGenetics, part of Exact Sciences
Classification: Uncertain significance for TRPV4-related condition. Last evaluated: 2024-07-03. Review status: no assertion criteria provided. Collection method: clinical testing. Allele origin: germline.
Comment: The TRPV4 c.1678G>A variant is predicted to result in the amino acid substitution p.Val560Met. To our knowledge, this variant has not been reported in the literature or in a large population database, indicating this variant is rare. At this time, the clinical significance of this variant is uncertain due to the absence of conclusive functional and genetic evidence.